The following is an entry in ClinVar:

ClinVar aggregate classification (germline): Pathogenic (1 of 4 stars; one submission).

Conditions:
Kleefstra syndrome 1 (KLEFS1). Identifiers: Orphanet 261494, MedGen C0795833, MONDO:0027407, OMIM 610253.

Submission:

Greenwood Genetic Center Diagnostic Laboratories, Greenwood Genetic Center
Classification: Pathogenic for Kleefstra syndrome 1. Last evaluated: 2023-03-10. Review status: criteria provided, single submitter. Criteria: ACMG Guidelines, 2015. Collection method: clinical testing. Allele origin: germline. Affected: yes.
Comment: PVS1, PM2, PM6

NM_024757.5(EHMT1):c.1792-21_1800del

Gene: EHMT1 (euchromatic histone lysine methyltransferase 1; plus strand). Cytogenetic location: 9q34.3.
Variant type: Deletion.
Coding change: c.1792-21_1800del on transcript NM_024757.5 (MANE Select); 21 bases into the intron before coding-DNA position 1792 through coding-DNA position 1800, 30 bases deleted (TTTTTGTCCTCCCATTTTTAGGGTAATTTT).
Molecular consequence: splice acceptor variant.
Genome position (GRCh38, 1-based): chr9:137,776,597-137,776,626, TTTTTGTCCTCCCATTTTTAGGGTAATTTT deleted; deleting any 30 consecutive bases within chr9:137,776,591-137,776,626 gives the same sequence; the c. name uses the placement nearest the transcript's 3' end. VCF-style (leftmost placement, unchanged base first): chr9-137776590-AAATTTTTTTTTGTCCTCCCATTTTTAGGGT-A. GRCh37 (hg19) VCF-style: chr9-140671042-AAATTTTTTTTTGTCCTCCCATTTTTAGGGT-A.
Other names: c.1771-21_1779del (NM_001354263.2); c.1699-21_1707del (NM_001354259.2); c.1792-21_1800del (NM_001145527.2).
Identifiers: ClinVar variation 2505205 (VCV002505205.1), dbSNP rs2542366657, ClinGen allele CA2580615439.